The following is an entry in ClinVar:

ClinVar aggregate classification (germline): Pathogenic. Review status: criteria provided, single submitter (1 of 4 stars). 2 submissions from 2 submitters: Pathogenic (1). 1 of the submissions does not count toward it. Last evaluated 2023-12-19.

Conditions:
Retinitis pigmentosa 11 (RP11). Identifiers: Orphanet 791, MedGen C1838601, MONDO:0010828, OMIM 600138.
Retinitis pigmentosa (RP). Identifiers: Orphanet 791, MedGen C0035334, MeSH D012174, MONDO:0019200, OMIM 268000. Inheritance: Autosomal dominant, autosomal recessive and X linked inheritance.

Submissions (2):

3billion
Classification: Pathogenic for Retinitis pigmentosa 11. Last evaluated: 2023-12-19. Review status: criteria provided, single submitter. Criteria: ACMG Guidelines, 2015. Collection method: clinical testing. Allele origin: germline. Affected: yes.
Comment: The variant is not observed in the gnomAD v2.1.1 dataset. Predicted Consequence/Location: Canonical splice site: predicted to alter splicing and result in a loss or disruption of normal protein function. Multiple pathogenic loss-of-function variants are reported downstream of the variant. The variant has been reported to be associated with PRPF31-related disorder (PMID: 30718709). Therefore, this variant is classified as Pathogenic according to the recommendation of ACMG/AMP guideline.

Department of Clinical Genetics, Copenhagen University Hospital, Rigshospitalet
Classification: Likely pathogenic for Retinitis pigmentosa. Last evaluated: 2018-04-01. Review status: no assertion criteria provided. Collection method: research. Allele origin: unknown. Affected: yes. Study: VeluxRD. Not counted in ClinVar's aggregate classification.

Literature cited by the submitters: PubMed 30718709 (cited by 3billion and Department of Clinical Genetics, Copenhagen University Hospital, Rigshospitalet).

NM_015629.4(PRPF31):c.855+1G>T

Gene: PRPF31 (pre-mRNA processing factor 31; plus strand). Cytogenetic location: 19q13.42.
Variant type: single nucleotide variant.
Coding change: c.855+1G>T on transcript NM_015629.4 (MANE Select); the canonical splice donor site of the intron after coding-DNA position 855, G replaced by T.
Molecular consequence: splice donor variant.
Genome position (GRCh38, 1-based): chr19:54,124,657, G>T. VCF-style: chr19-54124657-G-T. GRCh37 (hg19) VCF-style: chr19-54628036-G-T.
Identifiers: ClinVar variation 636070 (VCV000636070.3), dbSNP rs1057520752, ClinGen allele CA407751570.